The following is an entry in ClinVar:

NM_001195518.2(MICU1):c.715G>C (p.Asp239His)

Gene: MICU1 (mitochondrial calcium uptake 1; minus strand). Cytogenetic location: 10q22.1.
Variant type: single nucleotide variant.
Coding change: c.715G>C on transcript NM_001195518.2 (MANE Select); coding-DNA position 715, G replaced by C.
Protein change: p.Asp239His; replaces aspartic acid 239 with histidine.
Molecular consequence: missense variant.
Genome position (GRCh38, 1-based): chr10:72,477,194, C>G on the plus strand (G>C on the coding strand, the complement: MICU1 is on the minus strand). VCF-style: chr10-72477194-C-G. GRCh37 (hg19) VCF-style: chr10-74236952-C-G.
Other names: c.121G>C, p.Asp41His (NM_001195519.2); c.733G>C, p.Asp245His (NM_001363513.2); c.721G>C, p.Asp241His (NM_006077.4); c.721G>C (NM_006077.3); short protein forms D239H, D241H, D41H, D245H.
Identifiers: ClinVar variation 1507612 (VCV001507612.6), dbSNP rs1240248115, ClinGen allele CA377393073.

ClinVar aggregate classification (germline): Uncertain significance. Review status: criteria provided, multiple submitters, no conflicts (2 of 4 stars). 2 submissions from 2 submitters: Uncertain significance (2). Last evaluated 2024-09-04.

Conditions:
Inborn genetic diseases. Identifiers: MedGen C0950123, MeSH D030342.

Allele frequency attached by ClinVar (database versions not stated): TOPMed below 0.00001; gnomAD 0.00001; gnomAD exomes 0.00001.
gnomAD v4.1: 21 of 1,548,890 alleles (0.0014%); highest among the groups gnomAD compares: Non-Finnish European, 0.0017%; no homozygotes.

Submissions (2):

Ambry Genetics
Classification: Uncertain significance for Inborn genetic diseases. Last evaluated: 2024-09-04. Review status: criteria provided, single submitter. Criteria: Ambry Variant Classification Scheme 2023. Collection method: clinical testing. Allele origin: germline.

Labcorp Genetics (formerly Invitae), Labcorp
Classification: Uncertain significance. Last evaluated: 2022-06-20. Review status: criteria provided, single submitter. Criteria: Invitae Variant Classification Sherloc (09022015). Collection method: clinical testing. Allele origin: germline.
Comment: This sequence change replaces aspartic acid, which is acidic and polar, with histidine, which is basic and polar, at codon 241 of the MICU1 protein (p.Asp241His). This variant is present in population databases (no rsID available, gnomAD 0.004%). This variant has not been reported in the literature in individuals affected with MICU1-related conditions. Algorithms developed to predict the effect of missense changes on protein structure and function are either unavailable or do not agree on the potential impact of this missense change (SIFT: "Tolerated"; PolyPhen-2: "Not Available"; Align-GVGD: "Class C0"). In summary, the available evidence is currently insufficient to determine the role of this variant in disease. Therefore, it has been classified as a Variant of Uncertain Significance.